The following is an entry in ClinVar:

ClinVar aggregate classification (germline): Uncertain significance (1 of 4 stars; one submission).

Conditions:
Severe combined immunodeficiency due to CORO1A deficiency. Also called: Immunodeficiency 8; IMMUNODEFICIENCY 8 WITH LYMPHOPROLIFERATION. Identifiers: Orphanet 228003, MedGen C3809383, MONDO:0014168, OMIM 615401.

Allele frequency attached by ClinVar (database versions not stated): gnomAD below 0.00001 and 0.00001; gnomAD exomes below 0.00001; ExAC 0.00001.
gnomAD v4.1: 3 of 1,613,844 alleles (0.00019%); highest among the groups gnomAD compares: South Asian, 0.0022%; no homozygotes.

Submission:

Labcorp Genetics (formerly Invitae), Labcorp
Classification: Uncertain significance for Severe combined immunodeficiency due to CORO1A deficiency. Last evaluated: 2020-07-08. Review status: criteria provided, single submitter. Criteria: Invitae Variant Classification Sherloc (09022015). Collection method: clinical testing. Allele origin: germline.
Comment: In summary, the available evidence is currently insufficient to determine the role of this variant in disease. Therefore, it has been classified as a Variant of Uncertain Significance. Algorithms developed to predict the effect of missense changes on protein structure and function (SIFT, PolyPhen-2, Align-GVGD) all suggest that this variant is likely to be disruptive, but these predictions have not been confirmed by published functional studies and their clinical significance is uncertain. This sequence change replaces arginine with cysteine at codon 325 of the CORO1A protein (p.Arg325Cys). The arginine residue is highly conserved and there is a large physicochemical difference between arginine and cysteine. This variant is present in population databases (rs757576567, ExAC 0.006%). This variant has not been reported in the literature in individuals with CORO1A-related conditions.

NM_007074.4(CORO1A):c.973C>T (p.Arg325Cys)

Gene: CORO1A (coronin 1A; plus strand). Cytogenetic location: 16p11.2.
Variant type: single nucleotide variant.
Coding change: c.973C>T on transcript NM_007074.4 (MANE Select); coding-DNA position 973, C replaced by T.
Protein change: p.Arg325Cys; replaces arginine 325 with cysteine.
Molecular consequence: missense variant.
Genome position (GRCh38, 1-based): chr16:30,188,053, C>T. VCF-style: chr16-30188053-C-T. GRCh37 (hg19) VCF-style: chr16-30199374-C-T.
Other names: c.973C>T, p.Arg325Cys (NM_001193333.3); short protein forms R325C.
Identifiers: ClinVar variation 1007111 (VCV001007111.9), dbSNP rs757576567, ClinGen allele CA8003328.
Genomic context (GRCh38, chr16:30,188,053, plus strand): 5'-CACTATCTCTCCATGTTCAGTTCCAAGGAGTCCCAGCGGGGCATGGGCTACATGCCCAAA[C>T]GTGGCCTGGAGGTGAACAAGTGTGAGATCGCCAGGTGACTGACCCCCGGCCCTGACCGCA-3'
Protein context (NP_009005.1, residues 315-335): SQRGMGYMPK[Arg325Cys]GLEVNKCEIA